The following is an entry in ClinVar:

ClinVar aggregate classification (germline): Uncertain significance. Review status: criteria provided, multiple submitters, no conflicts (2 of 4 stars). 2 submissions from 2 submitters: Uncertain significance (2). Last evaluated 2024-06-17.

Conditions:
Inborn genetic diseases. Identifiers: MedGen C0950123, MeSH D030342.

Allele frequency attached by ClinVar (database versions not stated): gnomAD exomes below 0.00001 and 0.00001; gnomAD 0.00001; TOPMed 0.00001.
gnomAD v4.1: 9 of 1,614,068 alleles (0.00056%); highest among the groups gnomAD compares: Admixed American, 0.0017%; no homozygotes.

Submissions (2):

Ambry Genetics
Classification: Uncertain significance for Inborn genetic diseases. Last evaluated: 2024-06-17. Review status: criteria provided, single submitter. Criteria: Ambry Variant Classification Scheme 2023. Collection method: clinical testing. Allele origin: germline.

Labcorp Genetics (formerly Invitae), Labcorp
Classification: Uncertain significance. Last evaluated: 2024-05-09. Review status: criteria provided, single submitter. Criteria: Invitae Variant Classification Sherloc (09022015). Collection method: clinical testing. Allele origin: germline.
Comment: This sequence change replaces arginine, which is basic and polar, with glutamine, which is neutral and polar, at codon 1560 of the COL4A2 protein (p.Arg1560Gln). This variant is present in population databases (no rsID available, gnomAD 0.003%). This variant has not been reported in the literature in individuals affected with COL4A2-related conditions. ClinVar contains an entry for this variant (Variation ID: 1373341). Advanced modeling of protein sequence and biophysical properties (such as structural, functional, and spatial information, amino acid conservation, physicochemical variation, residue mobility, and thermodynamic stability) performed at Invitae indicates that this missense variant is expected to disrupt COL4A2 protein function with a positive predictive value of 80%. In summary, the available evidence is currently insufficient to determine the role of this variant in disease. Therefore, it has been classified as a Variant of Uncertain Significance.

NM_001846.4(COL4A2):c.4679G>A (p.Arg1560Gln)

Genes: COL4A2 (collagen type IV alpha 2 chain; plus strand), COL4A2-AS1 (COL4A2 antisense RNA 1; minus strand). Cytogenetic location: 13q34.
Variant type: single nucleotide variant.
Coding change: c.4679G>A on transcript NM_001846.4 (MANE Select); coding-DNA position 4679, G replaced by A.
Protein change: p.Arg1560Gln; replaces arginine 1560 with glutamine.
Molecular consequence: missense variant.
Genome position (GRCh38, 1-based): chr13:110,508,019, G>A. VCF-style: chr13-110508019-G-A. GRCh37 (hg19) VCF-style: chr13-111160366-G-A.
Other names: c.4679G>A (NM_001846.2); short protein forms R1560Q.
Identifiers: ClinVar variation 1373341 (VCV001373341.7), dbSNP rs1411209661, ClinGen allele CA388741382.